The following is an entry in ClinVar:

NM_000066.4(C8B):c.1552+2T>C

Gene: C8B (complement C8 beta chain; minus strand). Cytogenetic location: 1p32.2.
Variant type: single nucleotide variant.
Coding change: c.1552+2T>C on transcript NM_000066.4 (MANE Select); the canonical splice donor site of the intron after coding-DNA position 1552, T replaced by C.
Molecular consequence: splice donor variant.
Genome position (GRCh38, 1-based): chr1:56,933,333, A>G on the plus strand (T>C on the coding strand, the complement: C8B is on the minus strand). VCF-style: chr1-56933333-A-G. GRCh37 (hg19) VCF-style: chr1-57399006-A-G.
Other names: c.1366+2T>C (NM_001278544.2); c.1396+2T>C (NM_001278543.2).
Identifiers: ClinVar variation 2957699 (VCV002957699.3), dbSNP rs1394604123, ClinGen allele CA340520202.

ClinVar aggregate classification (germline): Likely pathogenic (1 of 4 stars; one submission).

Allele frequency attached by ClinVar (database versions not stated): gnomAD exomes below 0.00001.
gnomAD v4.1: 6 of 1,612,246 alleles (0.00037%); highest among the groups gnomAD compares: Non-Finnish European, 0.00051%; no homozygotes.

Submission:

Labcorp Genetics (formerly Invitae), Labcorp
Classification: Likely pathogenic. Last evaluated: 2023-11-22. Review status: criteria provided, single submitter. Criteria: Invitae Variant Classification Sherloc (09022015). Collection method: clinical testing. Allele origin: germline.
Comment: This sequence change affects a donor splice site in intron 10 of the C8B gene. It is expected to disrupt RNA splicing. Variants that disrupt the donor or acceptor splice site typically lead to a loss of protein function (PMID: 16199547), and loss-of-function variants in C8B are known to be pathogenic (PMID: 7594510). This variant is present in population databases (no rsID available, gnomAD 0.0009%). This variant has not been reported in the literature in individuals affected with C8B-related conditions. Algorithms developed to predict the effect of sequence changes on RNA splicing suggest that this variant may disrupt the consensus splice site. In summary, the currently available evidence indicates that the variant is pathogenic, but additional data are needed to prove that conclusively. Therefore, this variant has been classified as Likely Pathogenic.

Literature cited by the submitters: PubMed 16199547; PubMed 7594510.